The following is an entry in ClinVar:

ClinVar aggregate classification (germline): Uncertain significance. Review status: criteria provided, multiple submitters, no conflicts (2 of 4 stars). 2 submissions from 2 submitters: Uncertain significance (2). Last evaluated 2023-08-22.

Conditions:
Inborn genetic diseases. Identifiers: MedGen C0950123, MeSH D030342.

Allele frequency attached by ClinVar (database versions not stated): gnomAD exomes 0.00002 and 0.00003; ExAC 0.00003; gnomAD 0.00008 and 0.00010; TOPMed 0.00009; ESP Exome Variant Server 0.00015.
gnomAD v4.1: 39 of 1,614,014 alleles (0.0024%); highest among the groups gnomAD compares: African/African-American, 0.04%; no homozygotes.

Submissions (2):

Ambry Genetics
Classification: Uncertain significance for Inborn genetic diseases. Last evaluated: 2023-08-22. Review status: criteria provided, single submitter. Criteria: Ambry Variant Classification Scheme 2023. Collection method: clinical testing. Allele origin: germline.

Labcorp Genetics (formerly Invitae), Labcorp
Classification: Uncertain significance. Last evaluated: 2022-07-05. Review status: criteria provided, single submitter. Criteria: Invitae Variant Classification Sherloc (09022015). Collection method: clinical testing. Allele origin: germline.
Comment: This sequence change replaces tyrosine, which is neutral and polar, with histidine, which is basic and polar, at codon 220 of the DYM protein (p.Tyr220His). This variant is present in population databases (rs144640085, gnomAD 0.03%). This variant has not been reported in the literature in individuals affected with DYM-related conditions. ClinVar contains an entry for this variant (Variation ID: 1413289). Algorithms developed to predict the effect of missense changes on protein structure and function (SIFT, PolyPhen-2, Align-GVGD) all suggest that this variant is likely to be tolerated. In summary, the available evidence is currently insufficient to determine the role of this variant in disease. Therefore, it has been classified as a Variant of Uncertain Significance.

NM_001353214.3(DYM):c.658T>C (p.Tyr220His)

Gene: DYM (dymeclin; minus strand). Cytogenetic location: 18q21.1.
Variant type: single nucleotide variant.
Coding change: c.658T>C on transcript NM_001353214.3 (MANE Select); coding-DNA position 658, T replaced by C.
Protein change: p.Tyr220His; replaces tyrosine 220 with histidine.
Molecular consequence: missense variant. On other transcripts: intron variant (4).
Genome position (GRCh38, 1-based): chr18:49,331,969, A>G on the plus strand (T>C on the coding strand, the complement: DYM is on the minus strand). VCF-style: chr18-49331969-A-G. GRCh37 (hg19) VCF-style: chr18-46858339-A-G.
Other names: c.658T>C, p.Tyr220His (NM_001353210.3, NM_001353213.3, NM_001353215.3 and 10 more transcripts); c.655T>C, p.Tyr219His (NM_001353211.3, NM_001353212.3, NM_001374429.1 and 1 more transcripts); c.532T>C, p.Tyr178His (NM_001374432.1, NM_001374436.1); c.430T>C, p.Tyr144His (NM_001374440.1); c.194-45356T>C (NM_001374443.1); c.194-45353T>C (NM_001374444.1, NM_001374442.1, NM_001374441.1); c.658T>C (NM_017653.3); short protein forms Y144H, Y178H, Y219H, Y220H.
Identifiers: ClinVar variation 1413289 (VCV001413289.4), dbSNP rs144640085, ClinGen allele CA8958292.
Genomic context (GRCh38, chr18:49,331,969, plus strand): 5'-ACTGCTGAGGGAAAACATGGGCCCCTGGAGGAGGTGGCTTTTCTTGTCTGATAAAGTTAT[A>G]TAATAAGGTCTTCACAAGTTTGCTGGTGTATGGAAGACTATACAAAAAGGAAAAAAAAAT-3'
Protein context (NP_001340143.1, residues 210-230): YTSKLVKTLL[Tyr220His]NFIRQEKPPP